The following is an entry in ClinVar:

NM_000455.5(STK11):c.573A>C (p.Lys191Asn)

Gene: STK11 (serine/threonine kinase 11; plus strand). Cytogenetic location: 19p13.3.
Variant type: single nucleotide variant.
Coding change: c.573A>C on transcript NM_000455.5 (MANE Select); coding-DNA position 573, A replaced by C.
Protein change: p.Lys191Asn; replaces lysine 191 with asparagine.
Molecular consequence: missense variant.
Genome position (GRCh38, 1-based): chr19:1,220,481, A>C. VCF-style: chr19-1220481-A-C. GRCh37 (hg19) VCF-style: chr19-1220480-A-C.
Other names: c.573A>C, p.Lys191Asn (NM_001407255.1); short protein forms K191N.
Identifiers: ClinVar variation 2056213 (VCV002056213.4), dbSNP rs2512942915, ClinGen allele CA402949234.

ClinVar aggregate classification (germline): Uncertain significance (1 of 4 stars; one submission).

Conditions:
Peutz-Jeghers syndrome (PJS). Also called: Peutz-Jeghers polyposis; Periorificial lentiginosis syndrome; POLYPOSIS, HAMARTOMATOUS INTESTINAL; POLYPS-AND-SPOTS SYNDROME. Identifiers: Orphanet 2869, MedGen C0031269, MeSH D010580, MONDO:0008280, OMIM 175200.

Submission:

Labcorp Genetics (formerly Invitae), Labcorp
Classification: Uncertain significance for Peutz-Jeghers syndrome. Last evaluated: 2021-12-23. Review status: criteria provided, single submitter. Criteria: Invitae Variant Classification Sherloc (09022015). Collection method: clinical testing. Allele origin: germline.
Comment: This variant has not been reported in the literature in individuals affected with STK11-related conditions. This variant is not present in population databases (gnomAD no frequency). In summary, the available evidence is currently insufficient to determine the role of this variant in disease. Therefore, it has been classified as a Variant of Uncertain Significance. Advanced modeling of experimental studies (such as gene expression, population dynamics, functional pathways, and cell-cycle effects in cell culture) performed at Invitae indicates that this missense variant is not expected to disrupt STK11 protein function. This sequence change replaces lysine, which is basic and polar, with asparagine, which is neutral and polar, at codon 191 of the STK11 protein (p.Lys191Asn).